The following is an entry in ClinVar:

ClinVar aggregate classification (germline): Uncertain significance (1 of 4 stars; one submission).

Allele frequency attached by ClinVar (database versions not stated): gnomAD exomes below 0.00001.
gnomAD v4.1: 1 of 1,603,188 alleles (0.000062%); highest among the groups gnomAD compares: Non-Finnish European, 0.000085%; no homozygotes.

Submission:

Labcorp Genetics (formerly Invitae), Labcorp
Classification: Uncertain significance. Last evaluated: 2023-08-09. Review status: criteria provided, single submitter. Criteria: Invitae Variant Classification Sherloc (09022015). Collection method: clinical testing. Allele origin: germline.
Comment: Variants that disrupt the consensus splice site are a relatively common cause of aberrant splicing (PMID: 17576681, 9536098). Algorithms developed to predict the effect of sequence changes on RNA splicing suggest that this variant is not likely to affect RNA splicing. In summary, the available evidence is currently insufficient to determine the role of this variant in disease. Therefore, it has been classified as a Variant of Uncertain Significance. This sequence change falls in intron 19 of the SIN3A gene. It does not directly change the encoded amino acid sequence of the SIN3A protein. It affects a nucleotide within the consensus splice site. This variant is not present in population databases (gnomAD no frequency). This variant has not been reported in the literature in individuals affected with SIN3A-related conditions.

Literature cited by the submitters: PubMed 17576681; PubMed 9536098.

NM_001145358.2(SIN3A):c.3383+6T>C

Gene: SIN3A (SIN3 transcription regulator family member A; minus strand). Cytogenetic location: 15q24.2.
Variant type: single nucleotide variant.
Coding change: c.3383+6T>C on transcript NM_001145358.2 (MANE Select); 6 bases into the intron after coding-DNA position 3383, T replaced by C.
Molecular consequence: intron variant.
Genome position (GRCh38, 1-based): chr15:75,380,623, A>G on the plus strand (T>C on the coding strand, the complement: SIN3A is on the minus strand). VCF-style: chr15-75380623-A-G. GRCh37 (hg19) VCF-style: chr15-75672964-A-G.
Other names: c.3383+6T>C (NM_001145357.2, NM_015477.3).
Identifiers: ClinVar variation 2751448 (VCV002751448.3), dbSNP rs2543016315, ClinGen allele CA2575793900.